The following is an entry in ClinVar:

ClinVar aggregate classification (germline): Likely benign (0 of 4 stars; one submission).

Conditions:
TBX3-related disorder. Also called: TBX3-related condition.

Allele frequency attached by ClinVar (database versions not stated): gnomAD exomes 0.00005; gnomAD 0.00009; TOPMed 0.00016; 1000 Genomes Project 0.00020.
gnomAD v4.1: 18 of 230,808 alleles (0.0078%); highest among the groups gnomAD compares: African/African-American, 0.038%; no homozygotes.

Submission:

PreventionGenetics, part of Exact Sciences
Classification: Likely benign for TBX3-related condition. Last evaluated: 2023-05-31. Review status: no assertion criteria provided. Collection method: clinical testing. Allele origin: germline.
Comment: This variant is classified as likely benign based on ACMG/AMP sequence variant interpretation guidelines (Richards et al. 2015 PMID: 25741868, with internal and published modifications).

NM_005996.4(TBX3):c.-879T>C

Genes: TBX3 (T-box transcription factor 3; minus strand), TBX3-AS1 (TBX3 antisense RNA 1; plus strand). Cytogenetic location: 12q24.21.
Variant type: single nucleotide variant.
Coding change: c.-879T>C on transcript NM_005996.4 (MANE Select); 879 bases upstream of the start codon, T replaced by C.
Molecular consequence: 5 prime UTR variant.
Genome position (GRCh38, 1-based): chr12:114,684,079, A>G on the plus strand (T>C on the coding strand, the complement: TBX3 is on the minus strand). VCF-style: chr12-114684079-A-G. GRCh37 (hg19) VCF-style: chr12-115121884-A-G.
Other names: c.-879T>C (NM_016569.4).
Identifiers: ClinVar variation 3037713 (VCV003037713.2), dbSNP rs565141271, ClinGen allele CA244156148.